The following is an entry in ClinVar:

NM_001371727.1(GABRB2):c.344T>C (p.Leu115Pro)

Gene: GABRB2 (gamma-aminobutyric acid type A receptor subunit beta2; minus strand). Cytogenetic location: 5q34.
Variant type: single nucleotide variant.
Coding change: c.344T>C on transcript NM_001371727.1 (MANE Select); coding-DNA position 344, T replaced by C.
Protein change: p.Leu115Pro; replaces leucine 115 with proline.
Molecular consequence: missense variant.
Genome position (GRCh38, 1-based): chr5:161,459,738, A>G on the plus strand (T>C on the coding strand, the complement: GABRB2 is on the minus strand). VCF-style: chr5-161459738-A-G. GRCh37 (hg19) VCF-style: chr5-160886744-A-G.
Other names: c.344T>C, p.Leu115Pro (NM_000813.3, NM_021911.3); short protein forms L115P.
Identifiers: ClinVar variation 3362280 (VCV003362280.3).
Genomic context (GRCh38, chr5:161,459,738, plus strand): 5'-ACAGTCACTCCGTGCACAAATGACTTCTTATCGTTCAGGAAATAGGTATCAGGCACCCAG[A>G]GCTGGTCTGCCACTCTGTTGTCCAGAGTCAAGTTTAAAGGTATTACATTATAGGACAGCC-3'
Protein context (NP_001358656.1, residues 105-125): LTLDNRVADQ[Leu115Pro]WVPDTYFLND

ClinVar aggregate classification (germline): Uncertain significance (1 of 4 stars; one submission).

Conditions:
Developmental and epileptic encephalopathy 92. Also called: EPILEPTIC ENCEPHALOPATHY, INFANTILE OR EARLY CHILDHOOD, 2. Identifiers: MedGen C4693362, MONDO:0020631, OMIM 617829.

gnomAD v4.1: 1 of 1,614,006 alleles (0.000062%); highest among the groups gnomAD compares: African/African-American, 0.0013%; no homozygotes.

Submission:

Neuberg Centre For Genomic Medicine, NCGM
Classification: Uncertain significance for Developmental and epileptic encephalopathy 92. Last evaluated: 2023-06-02. Review status: criteria provided, single submitter. Criteria: ACMG Guidelines, 2015. Collection method: clinical testing. Allele origin: germline. Inheritance: Autosomal dominant inheritance. Affected: yes.
Comment: The observed missense c.344T>C(p.Leu115Pro) variant in GABRB2 gene has not been reported previously as a pathogenic variant nor a benign variant, to our knowledge. The p.Leu115Pro variant is absent in gnomAD Exomes. This variant has not been submitted to the ClinVar database. Multiple lines of computational evidences (Polyphen - Probably damaging, SIFT - Damaging and MutationTaster - Disease causing) predict a damaging effect on protein structure and function for this variant. The reference amino acid change at this position on GABRB2 gene is predicted as conserved by GERP++ and PhyloP across 100 vertebrates. The amino acid Leu at position 115 is changed to a Pro changing protein sequence and it might alter its composition and physico-chemical properties. For these reasons, this variant has been classified as a Variant of Uncertain Significance (VUS).